The following is an entry in ClinVar:

ClinVar aggregate classification (germline): Benign. Review status: criteria provided, multiple submitters, no conflicts (2 of 4 stars). 2 submissions from 2 submitters: Benign (2). Last evaluated 2018-01-13.

Conditions:
Arrhythmogenic right ventricular dysplasia 9 (ARVD9). Also called: Arrhythmogenic Right Ventricular Dysplasia/Cardiomyopathy 9; ARRHYTHMOGENIC RIGHT VENTRICULAR DYSPLASIA, FAMILIAL, 9. Identifiers: MedGen C1836906, MONDO:0012180, OMIM 609040.

Allele frequency attached by ClinVar (database versions not stated): 1000 Genomes Project 0.46965; 1000 Genomes Project 30x 0.48267; TOPMed 0.59940; gnomAD 0.61412 and 0.62602.

Submissions (2):

Illumina Laboratory Services, Illumina
Classification: Benign for Arrhythmogenic right ventricular dysplasia 9. Last evaluated: 2018-01-13. Review status: criteria provided, single submitter. Criteria: ICSL Variant Classification Criteria 13 December 2019. Collection method: clinical testing. Allele origin: germline.
Comment: This variant was observed in the ICSL laboratory as part of a predisposition screen in an ostensibly healthy population. It had not been previously curated by ICSL or reported in the Human Gene Mutation Database (HGMD: prior to June 1st, 2018), and was therefore a candidate for classification through an automated scoring system. Utilizing variant allele frequency, disease prevalence and penetrance estimates, and inheritance mode, an automated score was calculated to assess if this variant is too frequent to cause the disease. Based on the score and internal cut-off values, a variant classified as benign is not then subjected to further curation. The score for this variant resulted in a classification of benign for this disease.

Breakthrough Genomics
Classification: Benign. Review status: criteria provided, single submitter. Criteria: ACMG Guidelines, 2015. Collection method: not provided. Allele origin: germline. Inheritance: Autosomal dominant inheritance. Affected: yes.

NM_001005242.3(PKP2):c.*1431G>A

Gene: PKP2 (plakophilin 2; minus strand). Cytogenetic location: 12p11.21.
Variant type: single nucleotide variant.
Coding change: c.*1431G>A on transcript NM_001005242.3 (MANE Select); 1431 bases downstream of the stop codon, G replaced by A.
Molecular consequence: 3 prime UTR variant.
Genome position (GRCh38, 1-based): chr12:32,790,993, C>T on the plus strand (G>A on the coding strand, the complement: PKP2 is on the minus strand). VCF-style: chr12-32790993-C-T. GRCh37 (hg19) VCF-style: chr12-32943927-C-T.
Other names: c.*1431G>A (NM_004572.4).
Identifiers: ClinVar variation 308469 (VCV000308469.6), dbSNP rs1046150, ClinGen allele CA10641053.
Genomic context (GRCh38, chr12:32,790,993, plus strand): 5'-TTGAACTAGGTTAGCAACCTAAGTTGTCTTCATTCAGCTTTTAAAATTGAAAAAAAATTG[C>T]TTCAAATATAATAAAGACTTAAGTACACATTCAAAATTTATTTTCTGTTACAGTTTTCTT-3'